The following is an entry in ClinVar:

NM_139242.4(MTFMT):c.452C>T (p.Pro151Leu)

Gene: MTFMT (mitochondrial methionyl-tRNA formyltransferase; minus strand). Cytogenetic location: 15q22.31.
Variant type: single nucleotide variant.
Coding change: c.452C>T on transcript NM_139242.4 (MANE Select); coding-DNA position 452, C replaced by T.
Protein change: p.Pro151Leu; replaces proline 151 with leucine.
Molecular consequence: missense variant.
Genome position (GRCh38, 1-based): chr15:65,023,762, G>A on the plus strand (C>T on the coding strand, the complement: MTFMT is on the minus strand). VCF-style: chr15-65023762-G-A. GRCh37 (hg19) VCF-style: chr15-65316100-G-A.
Other names: short protein forms P151L.
Identifiers: ClinVar variation 120309 (VCV000120309.2), dbSNP rs587777244, ClinGen allele CA150820.

ClinVar aggregate classification (germline): Likely pathogenic. Review status: criteria provided, single submitter (1 of 4 stars). 2 submissions from 2 submitters: Likely pathogenic (1). 1 of the submissions does not count toward it. Last evaluated 2026-02-23.

Conditions:
Combined oxidative phosphorylation defect type 15. Also called: Combined oxidative phosphorylation deficiency 15. Identifiers: Orphanet 319524, MedGen C4706313, MONDO:0013987, OMIM 614947.

Allele frequency attached by ClinVar (database versions not stated): ExAC 0.00001; gnomAD 0.00001; TOPMed 0.00001.
gnomAD v4.1: 15 of 1,612,596 alleles (0.00093%); highest among the groups gnomAD compares: South Asian, 0.0022%; no homozygotes.

Submissions (2):

GeneDx
Classification: Likely pathogenic. Last evaluated: 2026-02-23. Review status: criteria provided, single submitter. Criteria: GeneDx Variant Classification Process June 2021. Collection method: clinical testing. Allele origin: germline.
Comment: Not observed at significant frequency in large population cohorts (gnomAD); In silico analysis supports that this missense variant has a deleterious effect on protein structure/function; This variant is associated with the following publications: (PMID: 23499752, 24461907, 25058219)

OMIM
Classification: Pathogenic for COMBINED OXIDATIVE PHOSPHORYLATION DEFICIENCY 15. Last evaluated: 2014-03-01. Review status: no assertion criteria provided. Collection method: literature only. Allele origin: germline. Not counted in ClinVar's aggregate classification.

Literature cited by the submitters: PubMed 23499752 (cited by OMIM); PubMed 24461907 (cited by OMIM).